The following is an entry in ClinVar:

ClinVar aggregate classification (germline): Pathogenic (1 of 4 stars; one submission).

Conditions:
Pyridoxine-dependent epilepsy (EPEO4). Also called: Pyridoxine-Dependent Seizures; EPILEPSY, EARLY-ONSET, 4, VITAMIN B6-DEPENDENT; PYRIDOXINE DEPENDENCY WITH SEIZURES; Pyridoxine-Dependent Epilepsy - ALDH7A1. Identifiers: Orphanet 3006, MedGen C1849508, MONDO:0009945, OMIM 266100. Disease mechanism: loss of function.

Submission:

Labcorp Genetics (formerly Invitae), Labcorp
Classification: Pathogenic for Pyridoxine-dependent epilepsy. Last evaluated: 2025-03-23. Review status: criteria provided, single submitter. Criteria: Invitae Variant Classification Sherloc (09022015). Collection method: clinical testing. Allele origin: germline.
Comment: This sequence change replaces glutamic acid, which is acidic and polar, with aspartic acid, which is acidic and polar, at codon 427 of the ALDH7A1 protein (p.Glu427Asp). This variant is not present in population databases (gnomAD no frequency). This missense change has been observed in individual(s) with pyridoxine-dependent epilepsy (PMID: 19128417, 19142996). This variant is also known as p.Glu399Asp. Invitae Evidence Modeling of protein sequence and biophysical properties (such as structural, functional, and spatial information, amino acid conservation, physicochemical variation, residue mobility, and thermodynamic stability) indicates that this missense variant is expected to disrupt ALDH7A1 protein function with a positive predictive value of 95%. This variant disrupts the p.Glu427 amino acid residue in ALDH7A1. Other variant(s) that disrupt this residue have been determined to be pathogenic (PMID: 16491085, 19128417, 22371912, 26224730). This suggests that this residue is clinically significant, and that variants that disrupt this residue are likely to be disease-causing. For these reasons, this variant has been classified as Pathogenic.

Literature cited by the submitters: PubMed 19128417; PubMed 19142996; PubMed 16491085; PubMed 22371912; PubMed 26224730.

NM_001182.5(ALDH7A1):c.1281G>C (p.Glu427Asp)

Gene: ALDH7A1 (aldehyde dehydrogenase 7 family member A1; minus strand). Cytogenetic location: 5q23.2.
Variant type: single nucleotide variant.
Coding change: c.1281G>C on transcript NM_001182.5 (MANE Select); coding-DNA position 1281, G replaced by C.
Protein change: p.Glu427Asp; replaces glutamic acid 427 with aspartic acid.
Molecular consequence: missense variant.
Genome position (GRCh38, 1-based): chr5:126,552,057, C>G on the plus strand (G>C on the coding strand, the complement: ALDH7A1 is on the minus strand). VCF-style: chr5-126552057-C-G. GRCh37 (hg19) VCF-style: chr5-125887749-C-G.
Other names: c.1197G>C, p.Glu399Asp (NM_001201377.2); c.1089G>C, p.Glu363Asp (NM_001202404.2); short protein forms E363D, E399D, E427D.
Identifiers: ClinVar variation 4801535 (VCV004801535.1).